The following is an entry in ClinVar:

ClinVar aggregate classification (germline): Pathogenic (1 of 4 stars; one submission).

Conditions:
Familial cancer of breast. Also called: BREAST CANCER, FAMILIAL; Hereditary breast cancer; hereditary breast carcinoma. Identifiers: Orphanet 227535, MedGen C0346153, MONDO:0016419, OMIM 114480. Disease mechanism: loss of function.

Submission:

Myriad Genetics, Inc.
Classification: Pathogenic for Familial cancer of breast. Last evaluated: 2024-04-02. Review status: criteria provided, single submitter. Criteria: Myriad Autosomal Dominant, Autosomal Recessive and X-Linked Classification Criteria (2023). Collection method: clinical testing. Allele origin: unknown.
Comment: This variant is considered pathogenic. This variant creates a frameshift predicted to result in premature protein truncation.

NM_000051.4(ATM):c.3566delinsAC (p.Leu1189fs)

Gene: ATM (ATM serine/threonine kinase; plus strand). Cytogenetic location: 11q22.3.
Variant type: Indel.
Coding change: c.3566delinsAC on transcript NM_000051.4 (MANE Select); coding-DNA position 3566, T replaced by AC.
Protein change: p.Leu1189fs; shifts the reading frame from leucine 1189.
Molecular consequence: frameshift variant.
Genome position (GRCh38, 1-based): chr11:108,281,158, T replaced by AC. VCF-style: chr11-108281158-T-AC. GRCh37 (hg19) VCF-style: chr11-108151885-T-AC.
Other names: c.3566delinsAC, p.Leu1189fs (NM_001351834.2); short protein forms L1189fs.
Identifiers: ClinVar variation 3254362 (VCV003254362.1), dbSNP rs2546871582.